The following is an entry in ClinVar:

NM_014991.6(WDFY3):c.7799G>A (p.Ser2600Asn)

Gene: WDFY3 (WD repeat and FYVE domain containing 3; minus strand). Cytogenetic location: 4q21.23.
Variant type: single nucleotide variant.
Coding change: c.7799G>A on transcript NM_014991.6 (MANE Select); coding-DNA position 7799, G replaced by A.
Protein change: p.Ser2600Asn; replaces serine 2600 with asparagine.
Molecular consequence: missense variant.
Genome position (GRCh38, 1-based): chr4:84,716,972, C>T on the plus strand (G>A on the coding strand, the complement: WDFY3 is on the minus strand). VCF-style: chr4-84716972-C-T. GRCh37 (hg19) VCF-style: chr4-85638125-C-T.
Other names: short protein forms S2600N.
Identifiers: ClinVar variation 928811 (VCV000928811.1), dbSNP rs1734049966, ClinGen allele CA357542291.
Genomic context (GRCh38, chr4:84,716,972, plus strand): 5'-CTTTTATGAACTTCCTTGATATCTTCATATGCAAAAATGCTGCATGTTCTCTTGAGTTGA[C>T]TAGGGCCTTGCCTGGCTCCTCTAGGAATAATAGGCTCATGCATACTACAGGCAGCCAAGA-3'
Protein context (NP_055806.2, residues 2590-2610): IIPRGARQGP[Ser2600Asn]QLKRTCSIFA

ClinVar aggregate classification (germline): Uncertain significance (1 of 4 stars; one submission).

gnomAD v4.1: 1 of 1,609,392 alleles (0.000062%); no homozygotes.

Submission:

Women's Health and Genetics/Laboratory Corporation of America, LabCorp
Classification: Uncertain significance. Last evaluated: 2019-10-18. Review status: criteria provided, single submitter. Criteria: LabCorp Variant Classification Summary - May 2015. Collection method: clinical testing. Allele origin: germline.
Comment: Variant summary: WDFY3 c.7799G>A (p.Ser2600Asn) results in a conservative amino acid change located in the BEACH domain (IPR000409) of the encoded protein sequence. Three of five in-silico tools predict a benign effect of the variant on protein function. The variant was absent in 247922 control chromosomes (gnomAD). The available data on variant occurrences in the general population are insufficient to allow any conclusion about variant significance. To our knowledge, no occurrence of c.7799G>A in individuals affected with Microcephaly 18, primary, autosomal dominant disease and no experimental evidence demonstrating its impact on protein function have been reported. No clinical diagnostic laboratories have submitted clinical-significance assessments for this variant to ClinVar after 2014. Based on the evidence outlined above, the variant was classified as uncertain significance.